The following is an entry in ClinVar:

NM_001127511.3(APC):c.-93G>T

Gene: APC (APC regulator of Wnt signaling pathway; plus strand). Cytogenetic location: 5q22.2.
Variant type: single nucleotide variant.
Coding change: c.-93G>T on transcript NM_001127511.3; 93 bases upstream of the start codon, G replaced by T.
Molecular consequence: 5 prime UTR variant. On other transcripts: non-coding transcript variant (2).
Genome position (GRCh38, 1-based): chr5:112,707,625, G>T. VCF-style: chr5-112707625-G-T. GRCh37 (hg19) VCF-style: chr5-112043322-G-T.
Other names: c.-276G>T (NM_001354895.2, NM_001407447.1, NM_001407452.1 and 3 more transcripts); c.-93G>T (NM_001354897.2, NM_001354902.2, NM_001407446.1); c.-43G>T (NM_001407448.1, NM_001407450.1, NM_001407457.1 and 1 more transcripts); c.-67G>T (NM_001407453.1); c.-1311G>T (NM_001407470.1, NM_001407472.1).
Identifiers: ClinVar variation 3651466 (VCV003651466.2).
Genomic context (GRCh38, chr5:112,707,625, plus strand): 5'-CCGGAAGCCTAGCCGCTGCTCGGGGGGGACCTGCGGGCTCAGGCCCGGGAGCTGCGGACC[G>T]AGGTTGGCTCGATGCTGTTCCCAGGTACTGTTGTTGGCTGTTGGTGAGGAAGGTGAAGCA-3'

ClinVar aggregate classification (germline): Uncertain significance (1 of 4 stars; one submission).

Conditions:
Familial adenomatous polyposis 1 (FAP1). Also called: FAMILIAL ADENOMATOUS POLYPOSIS 1, ATTENUATED; POLYPOSIS, ADENOMATOUS INTESTINAL. Identifiers: MedGen C2713442, MONDO:0021056, OMIM 175100. Disease mechanism: loss of function.

Submission:

Labcorp Genetics (formerly Invitae), Labcorp
Classification: Uncertain significance for Familial adenomatous polyposis 1. Last evaluated: 2024-08-31. Review status: criteria provided, single submitter. Criteria: Invitae Variant Classification Sherloc (09022015). Collection method: clinical testing. Allele origin: germline.
Comment: This variant occurs in a non-coding region of the APC gene. It does not change the encoded amino acid sequence of the APC protein. This variant is not present in population databases (gnomAD no frequency). This variant has not been reported in the literature in individuals affected with APC-related conditions. Experimental studies and prediction algorithms are not available or were not evaluated, and the functional significance of this variant is currently unknown. In summary, the available evidence is currently insufficient to determine the role of this variant in disease. Therefore, it has been classified as a Variant of Uncertain Significance.